The following is an entry in ClinVar:

NM_031935.3(HMCN1):c.11564T>G (p.Leu3855Arg)

Gene: HMCN1 (hemicentin 1; plus strand). Cytogenetic location: 1q31.1.
Variant type: single nucleotide variant.
Coding change: c.11564T>G on transcript NM_031935.3 (MANE Select); coding-DNA position 11564, T replaced by G.
Protein change: p.Leu3855Arg; replaces leucine 3855 with arginine.
Molecular consequence: missense variant.
Genome position (GRCh38, 1-based): chr1:186,116,996, T>G. VCF-style: chr1-186116996-T-G. GRCh37 (hg19) VCF-style: chr1-186086128-T-G.
Other names: short protein forms L3855R.
Identifiers: ClinVar variation 3710320 (VCV003710320.2).
Genomic context (GRCh38, chr1:186,116,996, plus strand): 5'-TGGGAAAATTTATGAAAACCTACATATAGTATCTCATGCTTTGAAATGTGTCTTCTAGGC[T>G]CCTTTCTTCAGGTTCACTAGTAATTATTTCCCCTTCTGTGGATGACACTGCAACCTATGA-3'
Protein context (NP_114141.2, residues 3845-3865): NVDQNQNSYR[Leu3855Arg]LSSGSLVIIS

ClinVar aggregate classification (germline): Uncertain significance (1 of 4 stars; one submission).

gnomAD v4.1: 7 of 1,612,984 alleles (0.00043%); highest among the groups gnomAD compares: Non-Finnish European, 0.00059%; no homozygotes.

Submission:

Labcorp Genetics (formerly Invitae), Labcorp
Classification: Uncertain significance. Last evaluated: 2024-08-31. Review status: criteria provided, single submitter. Criteria: Invitae Variant Classification Sherloc (09022015). Collection method: clinical testing. Allele origin: germline.
Comment: This sequence change replaces leucine, which is neutral and non-polar, with arginine, which is basic and polar, at codon 3855 of the HMCN1 protein (p.Leu3855Arg). This variant is present in population databases (rs751552839, gnomAD 0.003%). This variant has not been reported in the literature in individuals affected with HMCN1-related conditions. An algorithm developed to predict the effect of missense changes on protein structure and function (PolyPhen-2) suggests that this variant is likely to be disruptive. In summary, the available evidence is currently insufficient to determine the role of this variant in disease. Therefore, it has been classified as a Variant of Uncertain Significance.